The following is an entry in ClinVar:

ClinVar aggregate classification (germline): Pathogenic (0 of 4 stars; one submission).

Conditions:
Niemann-Pick disease, type C1. Also called: NIEMANN-PICK DISEASE, VARIANT TYPE C1; NEUROVISCERAL STORAGE DISEASE WITH VERTICAL SUPRANUCLEAR OPHTHALMOPLEGIA; NIEMANN-PICK DISEASE WITH CHOLESTEROL ESTERIFICATION BLOCK; NIEMANN-PICK DISEASE WITHOUT SPHINGOMYELINASE DEFICIENCY; NIEMANN-PICK DISEASE, CHRONIC NEURONOPATHIC FORM. Identifiers: Orphanet 646, MedGen C3179455, MONDO:0009757, OMIM 257220.

Submission:

Shanghain Institute for Pediatric Research
Classification: Pathogenic for Niemann-Pick disease type C1. Review status: no assertion criteria provided. Collection method: not provided. Allele origin: germline.
ClinVar note: Converted during submission from pathogenic to Pathogenic.

NM_000271.5(NPC1):c.1502A>T (p.Asp501Val)

Gene: NPC1 (NPC intracellular cholesterol transporter 1; minus strand). Cytogenetic location: 18q11.2.
Variant type: single nucleotide variant.
Coding change: c.1502A>T on transcript NM_000271.5 (MANE Select); coding-DNA position 1502, A replaced by T.
Protein change: p.Asp501Val; replaces aspartic acid 501 with valine.
Molecular consequence: missense variant.
Genome position (GRCh38, 1-based): chr18:23,554,809, T>A on the plus strand (A>T on the coding strand, the complement: NPC1 is on the minus strand). VCF-style: chr18-23554809-T-A. GRCh37 (hg19) VCF-style: chr18-21134773-T-A.
Other names: short protein forms D501V.
Identifiers: ClinVar variation 132889 (VCV000132889.2), dbSNP rs483352885, ClinGen allele CA269817.